The following is an entry in ClinVar:

ClinVar aggregate classification (germline): Uncertain significance (1 of 4 stars; one submission).

Conditions:
Hereditary pancreatitis (PCTT). Also called: Hereditary chronic pancreatitis; PRSS1-Related Hereditary Pancreatitis. Identifiers: Orphanet 676, MedGen C0238339, MONDO:0008185, OMIM 167800.

Submission:

Ambry Genetics
Classification: Uncertain significance for Hereditary pancreatitis. Last evaluated: 2024-10-14. Review status: criteria provided, single submitter. Criteria: Ambry Variant Classification Scheme 2023. Collection method: clinical testing. Allele origin: germline.
Comment: The p.P270S variant (also known as c.808C>T), located in coding exon 8 of the CPA1 gene, results from a C to T substitution at nucleotide position 808. The proline at codon 270 is replaced by serine, an amino acid with similar properties. This amino acid position is conserved. In addition, the in silico prediction for this alteration is inconclusive. Based on the available evidence, the clinical significance of this variant remains unclear.

NM_001868.4(CPA1):c.808C>T (p.Pro270Ser)

Gene: CPA1 (carboxypeptidase A1; plus strand). Cytogenetic location: 7q32.2.
Variant type: single nucleotide variant.
Coding change: c.808C>T on transcript NM_001868.4 (MANE Select); coding-DNA position 808, C replaced by T.
Protein change: p.Pro270Ser; replaces proline 270 with serine.
Molecular consequence: missense variant.
Genome position (GRCh38, 1-based): chr7:130,385,166, C>T. VCF-style: chr7-130385166-C-T. GRCh37 (hg19) VCF-style: chr7-130025007-C-T.
Other names: short protein forms P270S.
Identifiers: ClinVar variation 3496213 (VCV003496213.1).
Genomic context (GRCh38, chr7:130,385,166, plus strand): 5'-CTGGAGGAGCCACACCGCCATGCCCTCTGTCCCCCCACAGTGTCCGGAGCCAGCAGTAAC[C>T]CCTGCTCGGAGACTTACCACGGCAAGTTTGCCAATTCCGAAGTGGAGGTCAAGTCCATTG-3'
Protein context (NP_001859.1, residues 260-280): GFGLSGASSN[Pro270Ser]CSETYHGKFA